The following is an entry in ClinVar:

ClinVar aggregate classification (germline): Uncertain significance (0 of 4 stars; one submission).

Conditions:
OTC-related disorder. Also called: OTC-related condition.

Submission:

PreventionGenetics, part of Exact Sciences
Classification: Uncertain significance for OTC-related condition. Last evaluated: 2023-12-05. Review status: no assertion criteria provided. Collection method: clinical testing. Allele origin: germline.
Comment: The OTC c.-437T>C variant is located in the 5' untranslated region. To our knowledge, this variant has not been reported in the literature or in a large population database, indicating this variant is rare. Other variants in the pre-coding region of OTC have been reported in individuals with ornithine transcarbamylase deficiency but no identified sequence variant in the exon or exon/intron boundary regions of the OTC gene (Jang et al. 2018. PubMed ID: 29282796). Several of these variants were reported to reduce reported gene expression in an in vitro study (Jang et al. 2018. PubMed ID: 29282796). At this time, the clinical significance of the c.-437T>C variant is uncertain due to the absence of conclusive functional and genetic evidence.

NC_000023.11:g.38352260T>C

Gene: OTC (ornithine transcarbamylase; plus strand). Cytogenetic location: Xp11.4.
Variant type: single nucleotide variant.
Molecular consequence: intron variant (on NM_001407092.1).
Genome position: GRCh38 VCF-style: chrX-38352260-T-C. GRCh37 (hg19) VCF-style: chrX-38211513-T-C.
Other names: c.-79-358T>C (NM_001407092.1).
Identifiers: ClinVar variation 3051591 (VCV003051591.2), dbSNP rs2519941442, ClinGen allele CA2740092104.
Genomic context (GRCh38, chrX:38,352,260, plus strand): 5'-AAAGACTGGCAATTAGAGGTAGAAAAGTGAAATAAATGGAAATAGTACTACTCAGGACTG[T>C]CACATCTACATCTGTGTTTTTGCAGTGCCAATTTGCATTTTCTGAGTGAGTTACTTCTAC-3'